The following is an entry in ClinVar:

NM_181783.4(TMTC3):c.316A>G (p.Ile106Val)

Gene: TMTC3 (transmembrane O-mannosyltransferase targeting cadherins 3; plus strand). Cytogenetic location: 12q21.32.
Variant type: single nucleotide variant.
Coding change: c.316A>G on transcript NM_181783.4 (MANE Select); coding-DNA position 316, A replaced by G.
Protein change: p.Ile106Val; replaces isoleucine 106 with valine.
Molecular consequence: missense variant. On other transcripts: non-coding transcript variant (1), intron variant (2).
Genome position (GRCh38, 1-based): chr12:88,153,417, A>G. VCF-style: chr12-88153417-A-G. GRCh37 (hg19) VCF-style: chr12-88547194-A-G.
Other names: c.136A>G, p.Ile46Val (NM_001366574.1); c.49A>G, p.Ile17Val (NM_001366580.1); c.190-871A>G (NM_001366579.1); c.-285-871A>G (NM_001366583.1); short protein forms I106V, I46V, I17V.
Identifiers: ClinVar variation 1366946 (VCV001366946.6), dbSNP rs2138367498, ClinGen allele CA385994047.

ClinVar aggregate classification (germline): Uncertain significance (1 of 4 stars; one submission).

gnomAD v4.1: 4 of 1,613,646 alleles (0.00025%); highest among the groups gnomAD compares: South Asian, 0.0022%; no homozygotes.

Submission:

Labcorp Genetics (formerly Invitae), Labcorp
Classification: Uncertain significance. Last evaluated: 2022-06-20. Review status: criteria provided, single submitter. Criteria: Invitae Variant Classification Sherloc (09022015). Collection method: clinical testing. Allele origin: germline.
Comment: This variant is not present in population databases (gnomAD no frequency). This sequence change replaces isoleucine, which is neutral and non-polar, with valine, which is neutral and non-polar, at codon 106 of the TMTC3 protein (p.Ile106Val). This variant has not been reported in the literature in individuals affected with TMTC3-related conditions. In summary, the available evidence is currently insufficient to determine the role of this variant in disease. Therefore, it has been classified as a Variant of Uncertain Significance. Algorithms developed to predict the effect of sequence changes on RNA splicing suggest that this variant may create or strengthen a splice site. Algorithms developed to predict the effect of missense changes on protein structure and function output the following: SIFT: "Tolerated"; PolyPhen-2: "Benign"; Align-GVGD: "Class C0". The valine amino acid residue is found in multiple mammalian species, which suggests that this missense change does not adversely affect protein function.